The following is an entry in ClinVar:

ClinVar aggregate classification (germline): Uncertain significance (1 of 4 stars; one submission).

Conditions:
Inborn genetic diseases. Identifiers: MedGen C0950123, MeSH D030342.

Submission:

Ambry Genetics
Classification: Uncertain significance for Inborn genetic diseases. Last evaluated: 2026-07-22. Review status: criteria provided, single submitter. Criteria: Ambry Variant Classification Scheme 2023. Collection method: clinical testing. Allele origin: germline.
Comment: The c.4795C>T (p.Q1599*) alteration, located in exon 9 (coding exon 9) of the TET3 gene, consists of a C to T substitution at nucleotide position 4795. This changes the amino acid from a glutamine (Q) to a stop codon at amino acid position 1599. This variant is not expected to trigger nonsense-mediated mRNA decay, and impacts the last 3% of the protein. The exact functional effect of this variant is unknown. This variant was not reported in population-based cohorts in the Genome Aggregation Database (gnomAD). Based on insufficient or conflicting evidence, the clinical significance of this alteration remains unclear.

NM_001287491.2(TET3):c.5200C>T (p.Gln1734Ter)

Gene: TET3 (tet methylcytosine dioxygenase 3; plus strand). Cytogenetic location: 2p13.1.
Variant type: single nucleotide variant.
Coding change: c.5200C>T on transcript NM_001287491.2 (MANE Select); coding-DNA position 5200, C replaced by T.
Protein change: p.Gln1734Ter; replaces glutamine 1734 with a stop codon.
Molecular consequence: nonsense.
Genome position (GRCh38, 1-based): chr2:74,101,988, C>T. VCF-style: chr2-74101988-C-T. GRCh37 (hg19) VCF-style: chr2-74329115-C-T.
Other names: c.4795C>T (NM_144993.1); c.4921C>T, p.Gln1641Ter (NM_001366022.1); short protein forms Q1641*, Q1734*.
Identifiers: ClinVar variation 5030793 (VCV005030793.1).
Genomic context (GRCh38, chr2:74,101,988, plus strand): 5'-AAGCAGCTGGCGGAGAGGGCACGGGCACGGCAGGAGGAGGCTGCCCGGCTGGGCCTGGGC[C>T]AGCAGGAGGCCAAGCTCTACGGGAAGAAGCGCAAGTGGGGGGGCACTGTGGTTGCTGAGC-3'